The following is an entry in ClinVar:

ClinVar aggregate classification (germline): Uncertain significance (1 of 4 stars; one submission).

Conditions:
Autosomal recessive ataxia, Beauce type. Also called: SYNE1-Related Autosomal Recessive Cerebellar Ataxia; Spinocerebellar ataxia, autosomal recessive 8; ATAXIA, RECESSIVE, OF BEAUCE; SYNE1 Deficiency. Identifiers: Orphanet 88644, MedGen C1853116, MONDO:0012549, OMIM 610743.
Emery-Dreifuss muscular dystrophy 4, autosomal dominant (EDMD4). Also called: EMERY-DREIFUSS MUSCULAR DYSTROPHY 4 WITH VARIABLE FEATURES. Identifiers: Orphanet 261, MedGen C2751807, MONDO:0013071, OMIM 612998.

Allele frequency attached by ClinVar (database versions not stated): gnomAD exomes below 0.00001; TOPMed below 0.00001.
gnomAD v4.1: 1 of 1,614,226 alleles (0.000062%); highest among the groups gnomAD compares: African/African-American, 0.0013%; no homozygotes.

Submission:

Labcorp Genetics (formerly Invitae), Labcorp
Classification: Uncertain significance for Emery-Dreifuss muscular dystrophy 4, autosomal dominant; Autosomal recessive ataxia, Beauce type. Last evaluated: 2021-08-17. Review status: criteria provided, single submitter. Criteria: Invitae Variant Classification Sherloc (09022015). Collection method: clinical testing. Allele origin: germline.
Comment: In summary, the available evidence is currently insufficient to determine the role of this variant in disease. Therefore, it has been classified as a Variant of Uncertain Significance. Algorithms developed to predict the effect of sequence changes on RNA splicing suggest that this variant may create or strengthen a splice site. Algorithms developed to predict the effect of missense changes on protein structure and function (SIFT, PolyPhen-2, Align-GVGD) all suggest that this variant is likely to be disruptive. This variant has not been reported in the literature in individuals affected with SYNE1-related conditions. This variant is not present in population databases (ExAC no frequency). This sequence change replaces lysine with glutamic acid at codon 3091 of the SYNE1 protein (p.Lys3091Glu). The lysine residue is highly conserved and there is a small physicochemical difference between lysine and glutamic acid.

NM_182961.4(SYNE1):c.9250A>G (p.Lys3084Glu)

Gene: SYNE1 (spectrin repeat containing nuclear envelope protein 1; minus strand). Cytogenetic location: 6q25.2.
Variant type: single nucleotide variant.
Coding change: c.9250A>G on transcript NM_182961.4 (MANE Select); coding-DNA position 9250, A replaced by G.
Protein change: p.Lys3084Glu; replaces lysine 3084 with glutamic acid.
Molecular consequence: missense variant.
Genome position (GRCh38, 1-based): chr6:152,376,455, T>C on the plus strand (A>G on the coding strand, the complement: SYNE1 is on the minus strand). VCF-style: chr6-152376455-T-C. GRCh37 (hg19) VCF-style: chr6-152697590-T-C.
Other names: c.9271A>G, p.Lys3091Glu (NM_033071.5); short protein forms K3084E, K3091E.
Identifiers: ClinVar variation 1483604 (VCV001483604.6), dbSNP rs1391282600, ClinGen allele CA366141019.